The following is an entry in ClinVar:

NM_004304.5(ALK):c.2294T>C (p.Leu765Pro)

Gene: ALK (ALK receptor tyrosine kinase; minus strand). Cytogenetic location: 2p23.2.
Variant type: single nucleotide variant.
Coding change: c.2294T>C on transcript NM_004304.5 (MANE Select); coding-DNA position 2294, T replaced by C.
Protein change: p.Leu765Pro; replaces leucine 765 with proline.
Molecular consequence: missense variant.
Genome position (GRCh38, 1-based): chr2:29,239,741, A>G on the plus strand (T>C on the coding strand, the complement: ALK is on the minus strand). VCF-style: chr2-29239741-A-G. GRCh37 (hg19) VCF-style: chr2-29462607-A-G.
Other names: short protein forms L765P.
Identifiers: ClinVar variation 3223830 (VCV003223830.1), dbSNP rs2465270079, ClinGen allele CA346474441.
Genomic context (GRCh38, chr2:29,239,741, plus strand): 5'-CTGGGGCAGGCGTCCTCTCCCTGCTGCCCAACCAGGATGTACAGCATGTCATCCTTCTCC[A>G]GGTTGAAGATGCCCAGCACAGACACGCCGTGGGACCGCATCATGGTGTTCTTCCCGCCTT-3'
Protein context (NP_004295.2, residues 755-775): HGVSVLGIFN[Leu765Pro]EKDDMLYILV

ClinVar aggregate classification (germline): Uncertain significance (1 of 4 stars; one submission).

Conditions:
Hereditary cancer-predisposing syndrome. Also called: Tumor predisposition; Hereditary neoplastic syndrome; Hereditary Cancer Syndrome; Neoplastic Syndromes, Hereditary. Identifiers: Orphanet 140162, MedGen C0027672, MeSH D009386, MONDO:0015356.

Submission:

Ambry Genetics
Classification: Uncertain significance for Hereditary cancer-predisposing syndrome. Last evaluated: 2023-02-15. Review status: criteria provided, single submitter. Criteria: Ambry Variant Classification Scheme 2023. Collection method: clinical testing. Allele origin: germline.
Comment: The p.L765P variant (also known as c.2294T>C), located in coding exon 13 of the ALK gene, results from a T to C substitution at nucleotide position 2294. The leucine at codon 765 is replaced by proline, an amino acid with similar properties. This amino acid position is conserved. In addition, this alteration is predicted to be deleterious by in silico analysis. Since supporting evidence is limited at this time, the clinical significance of this alteration remains unclear.